The following is an entry in ClinVar:

ClinVar aggregate classification (germline): Uncertain significance (1 of 4 stars; one submission).

Conditions:
Inborn genetic diseases. Identifiers: MedGen C0950123, MeSH D030342.

gnomAD v4.1: 4 of 1,612,342 alleles (0.00025%); highest among the groups gnomAD compares: Non-Finnish European, 0.00034%; no homozygotes.

Submission:

Ambry Genetics
Classification: Uncertain significance for Inborn genetic diseases. Last evaluated: 2024-11-25. Review status: criteria provided, single submitter. Criteria: Ambry Variant Classification Scheme 2023. Collection method: clinical testing. Allele origin: germline.
Comment: The p.R172H variant (also known as c.515G>A), located in coding exon 3 of the ERCC6L2 gene, results from a G to A substitution at nucleotide position 515. The arginine at codon 172 is replaced by histidine, an amino acid with highly similar properties. This amino acid position is conserved. In addition, the in silico prediction for this alteration is inconclusive. Based on the available evidence, the clinical significance of this variant remains unclear.

NM_020207.7(ERCC6L2):c.515G>A (p.Arg172His)

Gene: ERCC6L2 (ERCC excision repair 6 like 2; plus strand). Cytogenetic location: 9q22.32.
Variant type: single nucleotide variant.
Coding change: c.515G>A on transcript NM_020207.7 (MANE Select); coding-DNA position 515, G replaced by A.
Protein change: p.Arg172His; replaces arginine 172 with histidine.
Molecular consequence: missense variant. On other transcripts: non-coding transcript variant (1).
Genome position (GRCh38, 1-based): chr9:95,897,892, G>A. VCF-style: chr9-95897892-G-A. GRCh37 (hg19) VCF-style: chr9-98660174-G-A.
Other names: c.515G>A, p.Arg172His (NM_001010895.4, NM_001375291.1, NM_001375292.1 and 2 more transcripts); short protein forms R172H.
Identifiers: ClinVar variation 3509984 (VCV003509984.1).
Genomic context (GRCh38, chr9:95,897,892, plus strand): 5'-AAGTCTTTTTTCCCCAGGTTATTTCATTTCTGGCTGCAGTTTTGCATAAAAAGGGAACTC[G>A]TGAGGATATTGAAAATAACATGCCAGAGTTTTTACTAAGAAGTATGAAAAAGGAACCCCT-3'
Protein context (NP_064592.3, residues 162-182): LAAVLHKKGT[Arg172His]EDIENNMPEF